The following is an entry in ClinVar:

NM_001165963.4(SCN1A):c.292del (p.Ala98fs)

Gene: SCN1A (sodium voltage-gated channel alpha subunit 1; minus strand). Cytogenetic location: 2q24.3.
Variant type: Deletion.
Coding change: c.292del on transcript NM_001165963.4 (MANE Select); coding-DNA position 292, one base deleted (G; older notation c.292delG).
Protein change: p.Ala98fs; shifts the reading frame from alanine 98.
Molecular consequence: frameshift variant. On other transcripts: 5 prime UTR variant (1), non-coding transcript variant (1).
Genome position (GRCh38, 1-based): chr2:166,058,661, C deleted on the plus strand (G on the coding strand, the reverse complement: SCN1A is on the minus strand); the first of 2 consecutive C bases (chr2:166,058,661-166,058,662); deleting either gives the same sequence. VCF-style (leftmost placement, unchanged base first): chr2-166058660-GC-G. GRCh37 (hg19) VCF-style: chr2-166915170-GC-G.
Other names: c.292del, p.Ala98fs (NM_001165964.3, NM_001202435.3, NM_001353948.2 and 10 more transcripts); c.-2134del (NM_001353961.2); short protein forms A98fs.
Identifiers: ClinVar variation 206888 (VCV000206888.1), dbSNP rs796053050, ClinGen allele CA317694.

ClinVar aggregate classification (germline): Pathogenic (1 of 4 stars; one submission).

Submission:

GeneDx
Classification: Pathogenic. Last evaluated: 2013-10-14. Review status: criteria provided, single submitter. Criteria: GeneDx Variant Classification (06012015). Collection method: clinical testing. Allele origin: germline. Affected: yes.
Comment: c.292delG: p.Ala98ProfsX14 (A98PfsX14) in exon 2 of the SCN1A gene (NM_001165963.1). The normal sequence with the base deleted in braces is: GAAG{G}CCAT. The c.292delG mutation in the SCN1A gene causes a frameshift starting with codon Alanine 98, changes this amino acid to a Proline residue and creates a premature Stop codon at position 14 of the new reading frame, denoted Ala98ProfsX14. This mutation is predicted to cause loss of normal protein function either through protein truncation or nonsense-mediated mRNA decay. Although this mutation has not been reported previously to our knowledge, other frameshift mutations have been reported in SCN1A in association with epilepsy. Therefore, the presence of c.292delG is consistent with a diagnosis of an SCN1A-related disorder. The variant is found in EPILEPSY panel(s).